The following is an entry in ClinVar:

NM_015425.6(POLR1A):c.4498C>T (p.Arg1500Cys)

Gene: POLR1A (RNA polymerase I subunit A; minus strand). Cytogenetic location: 2p11.2.
Variant type: single nucleotide variant.
Coding change: c.4498C>T on transcript NM_015425.6 (MANE Select); coding-DNA position 4498, C replaced by T.
Protein change: p.Arg1500Cys; replaces arginine 1500 with cysteine.
Molecular consequence: missense variant.
Genome position (GRCh38, 1-based): chr2:86,031,410, G>A on the plus strand (C>T on the coding strand, the complement: POLR1A is on the minus strand). VCF-style: chr2-86031410-G-A. GRCh37 (hg19) VCF-style: chr2-86258533-G-A.
Other names: short protein forms R1500C.
Identifiers: ClinVar variation 3710646 (VCV003710646.2).

ClinVar aggregate classification (germline): Uncertain significance (1 of 4 stars; one submission).

gnomAD v4.1: 13 of 1,613,088 alleles (0.00081%); highest among the groups gnomAD compares: South Asian, 0.0044%; no homozygotes.

Submission:

Labcorp Genetics (formerly Invitae), Labcorp
Classification: Uncertain significance. Last evaluated: 2024-03-31. Review status: criteria provided, single submitter. Criteria: Invitae Variant Classification Sherloc (09022015). Collection method: clinical testing. Allele origin: germline.
Comment: This sequence change replaces arginine, which is basic and polar, with cysteine, which is neutral and slightly polar, at codon 1500 of the POLR1A protein (p.Arg1500Cys). This variant is present in population databases (no rsID available, gnomAD 0.002%). This variant has not been reported in the literature in individuals affected with POLR1A-related conditions. Advanced modeling of protein sequence and biophysical properties (such as structural, functional, and spatial information, amino acid conservation, physicochemical variation, residue mobility, and thermodynamic stability) performed at Invitae indicates that this missense variant is not expected to disrupt POLR1A protein function with a negative predictive value of 80%. In summary, the available evidence is currently insufficient to determine the role of this variant in disease. Therefore, it has been classified as a Variant of Uncertain Significance.